The following is an entry in ClinVar:

ClinVar aggregate classification (germline): Benign/Likely benign. Review status: criteria provided, multiple submitters, no conflicts (2 of 4 stars). 3 submissions from 3 submitters: Benign (1); Likely benign (1). 1 of the submissions does not count toward it. Last evaluated 2025-11-01.

Conditions:
TRPM1-related disorder. Also called: TRPM1-related condition.

Allele frequency attached by ClinVar (database versions not stated): gnomAD 0.00003 and 0.00034; TOPMed 0.00005; gnomAD exomes 0.00041 and 0.00094; ExAC 0.00109; 1000 Genomes Project 30x 0.00328; 1000 Genomes Project 0.00379.
gnomAD v4.1: 663 of 1,614,074 alleles (0.041%); highest among the groups gnomAD compares: South Asian, 0.67%; 8 homozygotes.

Submissions (3):

Labcorp Genetics (formerly Invitae), Labcorp
Classification: Benign. Last evaluated: 2025-11-01. Review status: criteria provided, single submitter. Criteria: Invitae Variant Classification Sherloc (09022015). Collection method: clinical testing. Allele origin: germline.

Blueprint Genetics
Classification: Likely benign. Last evaluated: 2024-11-26. Review status: criteria provided, single submitter. Criteria: ACMG Guidelines, 2015. Collection method: clinical testing. Allele origin: germline.

PreventionGenetics, part of Exact Sciences
Classification: Benign for TRPM1-related condition. Last evaluated: 2024-08-21. Review status: no assertion criteria provided. Collection method: clinical testing. Allele origin: germline. Not counted in ClinVar's aggregate classification.
Comment: This variant is classified as benign based on ACMG/AMP sequence variant interpretation guidelines (Richards et al. 2015 PMID: 25741868, with internal and published modifications).

NM_001252024.2(TRPM1):c.3293+7G>A

Genes: TRPM1 (transient receptor potential cation channel subfamily M member 1; minus strand), TRPM1-AS1 (TRPM1 antisense RNA 1; plus strand). Cytogenetic location: 15q13.3.
Variant type: single nucleotide variant.
Coding change: c.3293+7G>A on transcript NM_001252024.2 (MANE Select); 7 bases into the intron after coding-DNA position 3293, G replaced by A.
Molecular consequence: intron variant.
Genome position (GRCh38, 1-based): chr15:31,028,325, C>T on the plus strand (G>A on the coding strand, the complement: TRPM1 is on the minus strand). VCF-style: chr15-31028325-C-T. GRCh37 (hg19) VCF-style: chr15-31320528-C-T.
Other names: c.3344+7G>A (NM_001252020.1, NM_001252020.2); c.3227+7G>A (NM_002420.6).
Identifiers: ClinVar variation 1164385 (VCV001164385.11), dbSNP rs554194778, ClinGen allele CA7451933.